The following is an entry in ClinVar:

ClinVar aggregate classification (germline): Uncertain significance (1 of 4 stars; one submission).

Conditions:
Holoprosencephaly 9 (HPE9). Also called: PITUITARY ANOMALIES WITH HOLOPROSENCEPHALY-LIKE FEATURES; HOLOPROSENCEPHALY WITH MICROPHTHALMIA AND FIRST BRANCHIAL ARCH ANOMALIES. Identifiers: Orphanet 2162, MedGen C1835819, MONDO:0012563, OMIM 610829.
Postaxial polydactyly-anterior pituitary anomalies-facial dysmorphism syndrome. Also called: Culler-Jones syndrome. Identifiers: Orphanet 420584, MedGen C4014479, MONDO:0014369, OMIM 615849.

gnomAD v4.1: 29 of 1,597,010 alleles (0.0018%); highest among the groups gnomAD compares: Middle Eastern, 0.017%; no homozygotes.

Submission:

Labcorp Genetics (formerly Invitae), Labcorp
Classification: Uncertain significance for Postaxial polydactyly-anterior pituitary anomalies-facial dysmorphism syndrome; Holoprosencephaly 9. Last evaluated: 2023-07-10. Review status: criteria provided, single submitter. Criteria: Invitae Variant Classification Sherloc (09022015). Collection method: clinical testing. Allele origin: germline.
Comment: This sequence change replaces valine, which is neutral and non-polar, with leucine, which is neutral and non-polar, at codon 122 of the GLI2 protein (p.Val122Leu). This variant is present in population databases (no rsID available, gnomAD 0.006%). This variant has not been reported in the literature in individuals affected with GLI2-related conditions. Advanced modeling of protein sequence and biophysical properties (such as structural, functional, and spatial information, amino acid conservation, physicochemical variation, residue mobility, and thermodynamic stability) performed at Invitae indicates that this missense variant is not expected to disrupt GLI2 protein function. In summary, the available evidence is currently insufficient to determine the role of this variant in disease. Therefore, it has been classified as a Variant of Uncertain Significance.

NM_001374353.1(GLI2):c.364G>T (p.Val122Leu)

Gene: GLI2 (GLI family zinc finger 2; plus strand). Cytogenetic location: 2q14.2.
Variant type: single nucleotide variant.
Coding change: c.364G>T on transcript NM_001374353.1 (MANE Select); coding-DNA position 364, G replaced by T.
Protein change: p.Val122Leu; replaces valine 122 with leucine.
Molecular consequence: missense variant. On other transcripts: 5 prime UTR variant (1).
Genome position (GRCh38, 1-based): chr2:120,951,352, G>T. VCF-style: chr2-120951352-G-T. GRCh37 (hg19) VCF-style: chr2-121708928-G-T.
Other names: c.364G>T, p.Val122Leu (NM_001371271.1, NM_005270.5); c.-12G>T (NM_001374354.1); short protein forms V122L.
Identifiers: ClinVar variation 2923677 (VCV002923677.3), dbSNP rs778467271, ClinGen allele CA348161990.